The following is an entry in ClinVar:

ClinVar aggregate classification (germline): Uncertain significance (1 of 4 stars; one submission).

Conditions:
POLD1-related polyposis and colorectal cancer syndrome (CRCS10). Also called: COLORECTAL CANCER, SUSCEPTIBILITY TO, ON CHROMOSOME 19q; Colorectal cancer 10; Colorectal cancer, susceptibility to, 10. Identifiers: Orphanet 220460, MedGen C2675481, MONDO:0012953, OMIM 612591.

Submission:

Labcorp Genetics (formerly Invitae), Labcorp
Classification: Uncertain significance for POLD1-related polyposis and colorectal cancer syndrome. Last evaluated: 2026-01-31. Review status: criteria provided, single submitter. Criteria: Invitae Variant Classification Sherloc (09022015). Collection method: clinical testing. Allele origin: germline.
Comment: This sequence change replaces asparagine, which is neutral and polar, with threonine, which is neutral and polar, at codon 247 of the POLD1 protein (p.Asn247Thr). This variant is not present in population databases (gnomAD no frequency). This variant has not been reported in the literature in individuals affected with POLD1-related conditions. Invitae Evidence Modeling of protein sequence and biophysical properties (such as structural, functional, and spatial information, amino acid conservation, physicochemical variation, residue mobility, and thermodynamic stability) indicates that this missense variant is not expected to disrupt POLD1 protein function with a negative predictive value of 80%. In summary, the available evidence is currently insufficient to determine the role of this variant in disease. Therefore, it has been classified as a Variant of Uncertain Significance.

NM_002691.4(POLD1):c.740A>C (p.Asn247Thr)

Gene: POLD1 (DNA polymerase delta 1, catalytic subunit; plus strand). Cytogenetic location: 19q13.33.
Variant type: single nucleotide variant.
Coding change: c.740A>C on transcript NM_002691.4 (MANE Select); coding-DNA position 740, A replaced by C.
Protein change: p.Asn247Thr; replaces asparagine 247 with threonine.
Molecular consequence: missense variant. On other transcripts: non-coding transcript variant (1).
Genome position (GRCh38, 1-based): chr19:50,402,355, A>C. VCF-style: chr19-50402355-A-C. GRCh37 (hg19) VCF-style: chr19-50905612-A-C.
Other names: c.740A>C, p.Asn247Thr (NM_001256849.1, NM_001308632.1, NM_001438210.1 and 3 more transcripts); short protein forms N247T.
Identifiers: ClinVar variation 4740456 (VCV004740456.1).